The following is an entry in ClinVar:

NM_006767.4(LZTR1):c.404del

Gene: LZTR1 (leucine zipper like post translational regulator 1; plus strand). Cytogenetic location: 22q11.21.
Variant type: Deletion.
Coding change: c.404del on transcript NM_006767.4 (MANE Select); coding-DNA position 404, one base deleted (G; older notation c.404delG).
Genome position (GRCh38, 1-based): chr22:20,988,013, G deleted; the last of 5 consecutive G bases (chr22:20,988,009-20,988,013); deleting any one gives the same sequence. VCF-style (leftmost placement, unchanged base first): chr22-20988008-AG-A. GRCh37 (hg19) VCF-style: chr22-21342297-AG-A.
Identifiers: ClinVar variation 1034315 (VCV001034315.12), dbSNP rs774779041, ClinGen allele CA10118430.

ClinVar aggregate classification (germline): Pathogenic/Likely pathogenic. Review status: criteria provided, multiple submitters, no conflicts (2 of 4 stars). 4 submissions from 4 submitters: Pathogenic (3); Likely pathogenic (1). Last evaluated 2026-01-26.

Conditions:
Cardiovascular phenotype. Identifiers: MedGen CN230736.
Hereditary cancer-predisposing syndrome. Also called: Tumor predisposition; Hereditary neoplastic syndrome; Neoplastic Syndromes, Hereditary; Hereditary Cancer Syndrome. Identifiers: Orphanet 140162, MedGen C0027672, MeSH D009386, MONDO:0015356.
LZTR1-related disorder. Also called: LZTR1-related disorders; LZTR1-related condition.
LZTR1-related schwannomatosis. Also called: Schwannomatosis 2; Schwannomatosis-2, susceptibility to. Identifiers: Orphanet 93921, MedGen C3810283, MONDO:0014299, OMIM 615670.

Submissions (4):

Labcorp Genetics (formerly Invitae), Labcorp
Classification: Pathogenic. Last evaluated: 2026-01-26. Review status: criteria provided, single submitter. Criteria: Invitae Variant Classification Sherloc (09022015). Collection method: clinical testing. Allele origin: germline.
Comment: This sequence change creates a premature translational stop signal (p.Gly135Valfs*12) in the LZTR1 gene. It is expected to result in an absent or disrupted protein product. Loss-of-function variants in LZTR1 are known to be pathogenic (PMID: 24362817, 25335493, 25480913, 25795793, 29469822, 30368668, 30442762, 30442766, 30481304, 30859559). This variant is present in population databases (rs774779041, gnomAD 0.0009%). This variant has not been reported in the literature in individuals affected with LZTR1-related conditions. ClinVar contains an entry for this variant (Variation ID: 1034315). Algorithms developed to predict the effect of sequence changes on RNA splicing suggest that this variant may disrupt the consensus splice site. For these reasons, this variant has been classified as Pathogenic.

PreventionGenetics, part of Exact Sciences
Classification: Pathogenic for LZTR1-related condition. Last evaluated: 2025-06-11. Review status: criteria provided, single submitter. Criteria: ACMG Guidelines, 2015. Collection method: clinical testing. Allele origin: germline.
Comment: The LZTR1 c.404delG variant is predicted to result in a frameshift and premature protein termination (p.Gly135Valfs*12). To our knowledge, this variant has not been reported in the literature. This variant is reported in 0.00089% of alleles in individuals of European (Non-Finnish) descent in gnomAD, and is classified as pathogenic in ClinVar. Frameshift variants in LZTR1 are expected to be pathogenic (Johnston et al. 2018. PubMed ID: 29469822; Steklov et al. 2018. PubMed ID: 30442762). This variant is interpreted as pathogenic.

Institute for Genomic Medicine (IGM) Clinical Laboratory, Nationwide Children's Hospital
Classification: Likely pathogenic for LZTR1-related schwannomatosis. Last evaluated: 2023-09-05. Review status: criteria provided, single submitter. Criteria: ACMG Guidelines, 2015. Collection method: clinical testing. Allele origin: germline.
Comment: This variant is predicted to result in loss of function through nonsense-mediated decay of the encoded transcript or premature truncation of the encoded protein in a gene in which loss of function is a known mechanism of disease (ACMG/AMP: PVS1; PMIDs:24362817, 28365909). This variant is absent from or present at an exceedingly low frequency in gnomAD, a large-scale control population database (ACMG/AMP: PM2).

Ambry Genetics
Classification: Pathogenic for Cardiovascular phenotype; Hereditary cancer-predisposing syndrome. Last evaluated: 2022-08-10. Review status: criteria provided, single submitter. Criteria: Ambry Variant Classification Scheme 2023. Collection method: clinical testing. Allele origin: germline.
Comment: The c.404delG pathogenic mutation, located in coding exon 5 of the LZTR1 gene, results from a deletion of one nucleotide at nucleotide position 404, causing a translational frameshift with a predicted alternate stop codon (p.G135Vfs*12). This alteration has been observed in at least one individual with a personal and/or family history that is consistent with schwannomatosis (Ambry internal data). This alteration is expected to result in loss of function by premature protein truncation or nonsense-mediated mRNA decay. Loss-of-function variants in LZTR1 are related to an increased risk for schwannomas and autosomal recessive Noonan syndrome; however, such associations with autosomal dominant Noonan syndrome have not been observed (Piotrowski A et al. Nat Genet. 2014 Feb;46:182-7; Yamamoto GL et al. J Med Genet. 2015 Jun;52:413-21; Johnston JJ et al. Genet Med. 2018 10;20:1175-1185). Based on the supporting evidence, this variant is pathogenic for an increased risk of LZTR1-related schwannomatosis (SWN) and would be expected to cause autosomal recessive Noonan syndrome when present along with a second pathogenic or likely pathogenic variant on the other allele; however, the association of this alteration with autosomal dominant Noonan syndrome is unlikely.

Literature cited by the submitters: PubMed 24362817 (cited by Labcorp Genetics (formerly Invitae), Labcorp and Institute for Genomic Medicine (IGM) Clinical Laboratory, Nationwide Children's Hospital); PubMed 25335493 (cited by Labcorp Genetics (formerly Invitae), Labcorp); PubMed 25480913 (cited by Labcorp Genetics (formerly Invitae), Labcorp); PubMed 25795793 (cited by Labcorp Genetics (formerly Invitae), Labcorp); PubMed 29469822 (cited by Labcorp Genetics (formerly Invitae), Labcorp); PubMed 30368668 (cited by Labcorp Genetics (formerly Invitae), Labcorp); PubMed 30442762 (cited by Labcorp Genetics (formerly Invitae), Labcorp); PubMed 30442766 (cited by Labcorp Genetics (formerly Invitae), Labcorp); PubMed 30481304 (cited by Labcorp Genetics (formerly Invitae), Labcorp); PubMed 30859559 (cited by Labcorp Genetics (formerly Invitae), Labcorp); PubMed 28365909 (cited by Institute for Genomic Medicine (IGM) Clinical Laboratory, Nationwide Children's Hospital).